The following is an entry in ClinVar:

NM_000414.4(HSD17B4):c.385C>T (p.Gln129Ter)

Gene: HSD17B4 (hydroxysteroid 17-beta dehydrogenase 4; plus strand). Cytogenetic location: 5q23.1.
Variant type: single nucleotide variant.
Coding change: c.385C>T on transcript NM_000414.4 (MANE Select); coding-DNA position 385, C replaced by T.
Protein change: p.Gln129Ter; replaces glutamine 129 with a stop codon.
Molecular consequence: nonsense. On other transcripts: 5 prime UTR variant (5), non-coding transcript variant (2).
Genome position (GRCh38, 1-based): chr5:119,477,452, C>T. VCF-style: chr5-119477452-C-T. GRCh37 (hg19) VCF-style: chr5-118813147-C-T.
Other names: c.385C>T, p.Gln129Ter (NM_001374498.1, NM_001374497.1); c.58C>T, p.Gln20Ter (NM_001374499.1); c.-154C>T (NM_001374500.1); c.-27C>T (NM_001374501.1, NM_001374502.1, NM_001374503.1 and 1 more transcripts); c.460C>T, p.Gln154Ter (NM_001199291.3); c.331C>T, p.Gln111Ter (NM_001199292.2); c.313C>T, p.Gln105Ter (NM_001292027.2); short protein forms Q105*, Q111*, Q129*, Q154*, Q20*.
Identifiers: ClinVar variation 5019629 (VCV005019629.2).
Genomic context (GRCh38, chr5:119,477,452, plus strand): 5'-TAATAAAAATAATTTATTGTTTTAGATATAATCCACAGAGTTCATTTGCGGGGTTCATTC[C>T]AAGTGACACGGGCAGCATGGGAACACATGAAGAAACAGAAGTATGGAAGGTAGAGTTGCA-3'

ClinVar aggregate classification (germline): Likely pathogenic (1 of 4 stars; one submission).

Conditions:
Bifunctional peroxisomal enzyme deficiency (DBIF). Also called: PBFE DEFICIENCY; D-bifunctional protein deficiency; DBP DEFICIENCY. Identifiers: Orphanet 300, MedGen C0342870, MONDO:0009855, OMIM 261515. Disease mechanism: loss of function.
Perrault syndrome 1 (PRLTS1). Also called: GONADAL DYSGENESIS, XX TYPE, WITH DEAFNESS; OVARIAN DYSGENESIS WITH SENSORINEURAL DEAFNESS. Identifiers: Orphanet 2855, Orphanet 642945, MedGen C4551721, MONDO:0009300, OMIM 233400.

Submission:

Juno Genomics, Hangzhou Juno Genomics, Inc
Classification: Likely pathogenic for Bifunctional peroxisomal enzyme deficiency; Perrault syndrome 1. Review status: criteria provided, single submitter. Criteria: ACMG Guidelines, 2015. Collection method: clinical testing. Allele origin: germline.
Comment: Absent from controls (or at extremely low frequency if recessive) in Genome Aggregation Database.;Null variant in a gene where loss of function (LOF) is a known mechanism of disease.